The following is an entry in ClinVar:

NM_032043.3(BRIP1):c.1794+2dup

Gene: BRIP1 (BRCA1 interacting DNA helicase 1; minus strand). Cytogenetic location: 17q23.2.
Variant type: Duplication.
Coding change: c.1794+2dup on transcript NM_032043.3 (MANE Select); the canonical splice donor site of the intron after coding-DNA position 1794, one base duplicated (T; older notation c.1794+2dupT).
Molecular consequence: splice donor variant.
Genome position (GRCh38, 1-based): chr17:61,780,838, A duplicated on the plus strand (T on the coding strand, the reverse complement: BRIP1 is on the minus strand). VCF-style (leftmost placement, unchanged base first): chr17-61780837-T-TA. GRCh37 (hg19) VCF-style: chr17-59858198-T-TA.
Identifiers: ClinVar variation 957918 (VCV000957918.8), dbSNP rs2077605901, ClinGen allele CA1139665780.

ClinVar aggregate classification (germline): Uncertain significance (1 of 4 stars; one submission).

Conditions:
Familial cancer of breast. Also called: Hereditary breast cancer; BREAST CANCER, FAMILIAL; hereditary breast carcinoma. Identifiers: Orphanet 227535, MedGen C0346153, MONDO:0016419, OMIM 114480. Disease mechanism: loss of function.
Fanconi anemia complementation group J. Also called: BRIP1-Related Fanconi Anemia. Identifiers: Orphanet 84, MedGen C1836860, MONDO:0012187, OMIM 609054.

Submission:

Labcorp Genetics (formerly Invitae), Labcorp
Classification: Uncertain significance for Familial cancer of breast; Fanconi anemia complementation group J. Last evaluated: 2025-11-17. Review status: criteria provided, single submitter. Criteria: Invitae Variant Classification Sherloc (09022015). Collection method: clinical testing. Allele origin: germline.
Comment: This sequence change falls in intron 12 of the BRIP1 gene. It does not directly change the encoded amino acid sequence of the BRIP1 protein. It affects a nucleotide within the consensus splice site. This variant is not present in population databases (gnomAD no frequency). This variant has not been reported in the literature in individuals affected with BRIP1-related conditions. ClinVar contains an entry for this variant (Variation ID: 957918). Variants that disrupt the consensus splice site are a relatively common cause of aberrant splicing (PMID: 17576681, 9536098). Algorithms developed to predict the effect of sequence changes on RNA splicing suggest that this variant may disrupt the consensus splice site. In summary, the available evidence is currently insufficient to determine the role of this variant in disease. Therefore, it has been classified as a Variant of Uncertain Significance.

Literature cited by the submitters: PubMed 17576681; PubMed 9536098.